The following is an entry in ClinVar:

NM_001145252.3(CFP):c.470G>C (p.Arg157Pro)

Gene: CFP (complement factor properdin; minus strand). Cytogenetic location: Xp11.23.
Variant type: single nucleotide variant.
Coding change: c.470G>C on transcript NM_001145252.3 (MANE Select); coding-DNA position 470, G replaced by C.
Protein change: p.Arg157Pro; replaces arginine 157 with proline.
Molecular consequence: missense variant.
Genome position (GRCh38, 1-based): chrX:47,627,575, C>G on the plus strand (G>C on the coding strand, the complement: CFP is on the minus strand). VCF-style: chrX-47627575-C-G. GRCh37 (hg19) VCF-style: chrX-47486974-C-G.
Other names: c.470G>C, p.Arg157Pro (NM_002621.2); short protein forms R157P.
Identifiers: ClinVar variation 1470694 (VCV001470694.6), dbSNP rs140986480, ClinGen allele CA412838727.

ClinVar aggregate classification (germline): Uncertain significance (1 of 4 stars; one submission).

Submission:

Labcorp Genetics (formerly Invitae), Labcorp
Classification: Uncertain significance. Last evaluated: 2026-01-21. Review status: criteria provided, single submitter. Criteria: Invitae Variant Classification Sherloc (09022015). Collection method: clinical testing. Allele origin: germline.
Comment: This sequence change replaces arginine, which is basic and polar, with proline, which is neutral and non-polar, at codon 157 of the CFP protein (p.Arg157Pro). This variant is not present in population databases (gnomAD no frequency). This variant has not been reported in the literature in individuals affected with CFP-related conditions. ClinVar contains an entry for this variant (Variation ID: 1470694). Invitae Evidence Modeling of protein sequence and biophysical properties (such as structural, functional, and spatial information, amino acid conservation, physicochemical variation, residue mobility, and thermodynamic stability) indicates that this missense variant is not expected to disrupt CFP protein function with a negative predictive value of 80%. In summary, the available evidence is currently insufficient to determine the role of this variant in disease. Therefore, it has been classified as a Variant of Uncertain Significance.